The following is an entry in ClinVar:

NM_000135.4(FANCA):c.1402A>G (p.Lys468Glu)

Gene: FANCA (FA complementation group A; minus strand). Cytogenetic location: 16q24.3.
Variant type: single nucleotide variant.
Coding change: c.1402A>G on transcript NM_000135.4 (MANE Select); coding-DNA position 1402, A replaced by G.
Protein change: p.Lys468Glu; replaces lysine 468 with glutamic acid.
Molecular consequence: missense variant.
Genome position (GRCh38, 1-based): chr16:89,784,922, T>C on the plus strand (A>G on the coding strand, the complement: FANCA is on the minus strand). VCF-style: chr16-89784922-T-C. GRCh37 (hg19) VCF-style: chr16-89851330-T-C.
Other names: c.1402A>G, p.Lys468Glu (NM_001286167.3); short protein forms K468E.
Identifiers: ClinVar variation 3848042 (VCV003848042.1).
Genomic context (GRCh38, chr16:89,784,922, plus strand): 5'-ACCGGGGAGACTCAAAAGGCACGAGTTCTGACAAGAACGTAAACAGGAAGACCAGGGCCT[T>C]CTTGCTGCAGCCATGGTAGCCTCGTGTGCTCCCAAAGGAGGCCTGTGTGGAGAGAAGAGC-3'
Protein context (NP_000126.2, residues 458-478): STRGYHGCSK[Lys468Glu]ALVFLFTFLS

ClinVar aggregate classification (germline): Uncertain significance (1 of 4 stars; one submission).

Conditions:
Inborn genetic diseases. Identifiers: MedGen C0950123, MeSH D030342.

Submission:

Ambry Genetics
Classification: Uncertain significance for Inborn genetic diseases. Last evaluated: 2024-12-20. Review status: criteria provided, single submitter. Criteria: Ambry Variant Classification Scheme 2023. Collection method: clinical testing. Allele origin: germline.
Comment: The p.K468E variant (also known as c.1402A>G), located in coding exon 15 of the FANCA gene, results from an A to G substitution at nucleotide position 1402. The lysine at codon 468 is replaced by glutamic acid, an amino acid with similar properties. This amino acid position is conserved. In addition, this alteration is predicted to be deleterious by in silico analysis. Based on the available evidence, the clinical significance of this variant remains unclear.